The following is an entry in ClinVar:

NM_000543.5(SMPD1):c.557C>T (p.Pro186Leu)

Gene: SMPD1 (sphingomyelin phosphodiesterase 1; plus strand). Cytogenetic location: 11p15.4.
Variant type: single nucleotide variant.
Coding change: c.557C>T on transcript NM_000543.5 (MANE Select); coding-DNA position 557, C replaced by T.
Protein change: p.Pro186Leu; replaces proline 186 with leucine.
Molecular consequence: missense variant. On other transcripts: 5 prime UTR variant (1), non-coding transcript variant (1).
Genome position (GRCh38, 1-based): chr11:6,391,622, C>T. VCF-style: chr11-6391622-C-T. GRCh37 (hg19) VCF-style: chr11-6412852-C-T.
Other names: c.554C>T, p.Pro185Leu (NM_001007593.3); c.557C>T, p.Pro186Leu (NM_001318087.2, NM_001365135.2); c.-405C>T (NM_001318088.2); short protein forms P186L, P185L.
Identifiers: ClinVar variation 371341 (VCV000371341.28), dbSNP rs1057517195, ClinGen allele CA16041479.

ClinVar aggregate classification (germline): Pathogenic/Likely pathogenic. Review status: criteria provided, multiple submitters, no conflicts (2 of 4 stars). 13 submissions from 12 submitters: Pathogenic (11); Likely pathogenic (1). 1 of the submissions does not count toward it. Last evaluated 2025-05-28.

Conditions:
Niemann-Pick disease, type A. Also called: Infantile Neurovisceral ASMD (Niemann-Pick Disease Type A; NPD-A); SPHINGOMYELIN LIPIDOSIS; SPHINGOMYELINASE DEFICIENCY. Identifiers: Orphanet 77292, MedGen C0268242, MONDO:0009756, OMIM 257200. Disease mechanism: loss of function.
Niemann-Pick disease, type B. Also called: Chronic Visceral ASMD (Niemann-Pick Disease Type B; NPD-B). Identifiers: Orphanet 77293, MedGen C0268243, MONDO:0011871, OMIM 607616. Disease mechanism: loss of function.
SMPD1-related disorder. Also called: SMPD1-related condition.
Sphingomyelin/cholesterol lipidosis. Also called: Niemann-Pick disease. Identifiers: MedGen C0028064, MONDO:0001982.

Allele frequency attached by ClinVar (database versions not stated): gnomAD exomes 0.00002 and 0.00004; gnomAD 0.00003 and 0.00004; TOPMed 0.00007.
gnomAD v4.1: 61 of 1,558,130 alleles (0.0039%); highest among the groups gnomAD compares: Admixed American, 0.0057%; no homozygotes.

Submissions (13):

PreventionGenetics, part of Exact Sciences
Classification: Pathogenic for SMPD1-related condition. Last evaluated: 2025-05-28. Review status: criteria provided, single submitter. Criteria: ACMG Guidelines, 2015. Collection method: clinical testing. Allele origin: germline.
Comment: The SMPD1 c.557C>T variant is predicted to result in the amino acid substitution p.Pro186Leu. This variant has been previously reported in the compound heterozygous state in patients with acid sphingomyelinase deficiency/Niemann-Pick Disease (Pavlů-Pereira et al. 2005. PubMed ID: 15877209; See Figure 2, Simonaro et al. 2006. PubMed ID: 16642440; Table 2, Wasserstein et al. 2006. PubMed ID: 17011332). Of note, this variant is also referred to as p.Pro184Leu in some literature. This variant was also reported as likely pathogenic/pathogenic in a large cohort study of carrier screening (Table S1, Capalbo. 2019. PubMed ID: 31589614). This variant is reported in 0.0075% of alleles in individuals of Latino descent in gnomAD. In summary, we classify this variant as pathogenic.

GeneDx
Classification: Likely pathogenic. Last evaluated: 2024-12-21. Review status: criteria provided, single submitter. Criteria: GeneDx Variant Classification Process June 2021. Collection method: clinical testing. Allele origin: germline. Affected: yes.
Comment: Published functional studies expressing this variant in a cell line demonstrated a mild reduction in ASM activity of 44% compared to wildtype (PMID: 15877209); Not observed at significant frequency in large population cohorts (gnomAD); In silico analysis supports that this missense variant has a deleterious effect on protein structure/function; Also described as p.(P184L) using alternate cDNA numbering; This variant is associated with the following publications: (PMID: 31589614, 21454466, 15877209, 35314707, 17011332, 34867278, 16642440, 31595719, 38866761)

Natera, Inc.
Classification: Pathogenic for Niemann-Pick Disease, Types A/B. Last evaluated: 2024-11-27. Review status: criteria provided, single submitter. Criteria: Natera Variant Classification Schema (03/2026). Collection method: clinical testing. Allele origin: germline.
Comment: The c.557C>T variant in SMPD1 is a missense variant predicted to cause substitution of proline to leucine at amino acid 186. This variant is rare in the general population with a frequency below the threshold expected for the associated phenotype(s). This variant has been observed in one or more individuals affected with the associated recessive disease, as either homozygous or compound heterozygous with a second variant (PMID: 15877209, 33971920, 17011332). Given the available evidence, this variant is classified as Pathogenic.

Baylor Genetics
Classification: Pathogenic for Niemann-Pick disease, type A. Last evaluated: 2024-03-25. Review status: criteria provided, single submitter. Criteria: ACMG Guidelines, 2015. Collection method: clinical testing. Allele origin: unknown.

Labcorp Genetics (formerly Invitae), Labcorp
Classification: Pathogenic for Niemann-Pick disease, type B; Niemann-Pick disease, type A. Last evaluated: 2023-11-20. Review status: criteria provided, single submitter. Criteria: Invitae Variant Classification Sherloc (09022015). Collection method: clinical testing. Allele origin: germline.
Comment: This sequence change replaces proline, which is neutral and non-polar, with leucine, which is neutral and non-polar, at codon 186 of the SMPD1 protein (p.Pro186Leu). The frequency data for this variant in the population databases is considered unreliable, as metrics indicate poor data quality at this position in the gnomAD database. This missense change has been observed in individual(s) with Niemann-Pick (PMID: 15877209, 16642440, 17011332, 21454466). It has also been observed to segregate with disease in related individuals. This variant is also known as p.Pro184Leu. ClinVar contains an entry for this variant (Variation ID: 371341). Advanced modeling of protein sequence and biophysical properties (such as structural, functional, and spatial information, amino acid conservation, physicochemical variation, residue mobility, and thermodynamic stability) performed at Invitae indicates that this missense variant is expected to disrupt SMPD1 protein function with a positive predictive value of 95%. For these reasons, this variant has been classified as Pathogenic.

Baylor Genetics
Classification: Pathogenic for Niemann-Pick disease, type B. Last evaluated: 2022-01-27. Review status: criteria provided, single submitter. Criteria: ACMG Guidelines, 2015. Collection method: clinical testing. Allele origin: unknown.

Fulgent Genetics
Classification: Pathogenic for Niemann-Pick disease, type A; Niemann-Pick disease, type B. Last evaluated: 2021-11-13. Review status: criteria provided, single submitter. Criteria: ACMG Guidelines, 2015. Collection method: clinical testing. Allele origin: unknown.

Genome-Nilou Lab
Classification: Pathogenic for Niemann-Pick disease, type B. Last evaluated: 2021-07-22. Review status: criteria provided, single submitter. Criteria: ACMG Guidelines, 2015. Collection method: clinical testing. Allele origin: germline. Affected: no.

Broad Center for Mendelian Genomics, Broad Institute of MIT and Harvard
Classification: Pathogenic for Sphingomyelin/cholesterol lipidosis. Last evaluated: 2020-01-22. Review status: criteria provided, single submitter. Criteria: ACMG Guidelines, 2015. Collection method: curation. Allele origin: germline. Inheritance: Autosomal recessive inheritance.
Comment: The p.Pro186Leu variant in SMPD1 (also known as p.Pro184Leu due to a difference in cDNA numbering) has been reported in at least 7 individuals with Niemann-Pick disease (PMID: 16642440, 17011332, 15877209, 21454466) and has been identified in 0.007% (2/26776) of Latino chromosomes, 0.004% (1/23626) of South Asian chromosomes, and 0.002% (2/80306) of European (non-Finnish) chromosomes by the Genome Aggregation Database (gnomAD; dbSNP rs1057517195). Although this variant has been seen in the general population, its frequency is low enough to be consistent with a recessive carrier frequency. This variant has also been reported in ClinVar (VariationID: 271341) as likely pathogenic by Counsyl and as pathogenic by Integrated Genetics and EGL Genetic Diagnostics. In vitro functional studies provide conflicting evidence about whether the variant may impact protein function (PMID: 15877209, 16642440). However, these types of assays may not accurately represent biological function. Computational prediction tools and conservation analyses suggest that this variant may impact the protein, though this information is not predictive enough to determine pathogenicity. The phenotype of an individual compound heterozygous for this variant is highly specific for Niemann-Pick disease based on acid sphingomyelinase activity being <10% of normal consistent with disease (PMID: 15877209). The presence of this variant in 2 affected homozygotes and in combination with reported pathogenic variants in 4 individuals with Niemann-Pick disease increases the likelihood that the p.Pro186Leu variant in SMPD1 is pathogenic (VariationID: 2994, 100731; PMID: 16642440, 17011332, 15877209, 21454466). In summary, this variant meets criteria to be classified as pathogenic for Niemann-Pick disease in an autosomal recessive manner based on its presence in affected homozygotes and compound heterozygotes, the phenotype of individuals with variants being highly specific for disease, and computational evidence. ACMG/AMP Criteria applied: PM3_very-strong, PM2, PP3, PP4 (Richards 2015).

Revvity Omics, Revvity
Classification: Pathogenic. Last evaluated: 2020-01-13. Review status: criteria provided, single submitter. Criteria: ACMG Guidelines, 2015. Collection method: clinical testing. Allele origin: germline.

Women's Health and Genetics/Laboratory Corporation of America, LabCorp
Classification: Pathogenic for Niemann-Pick disease, type B. Last evaluated: 2017-05-01. Review status: criteria provided, single submitter. Criteria: LabCorp Variant Classification Summary - May 2015. Collection method: clinical testing. Allele origin: germline.
Comment: Variant summary: The SMPD1 c.557C>T (p.Pro186Leu, more commonly referred to as Pro184Leu) variant involves the alteration of a conserved nucleotide. 3/5 in silico tools predict a damaging outcome for this variant. This variant is absent in 21724 control chromosomes and has been reported in multiple affected individuals in the literature. Functional studies have shown the variant to result in significantly reduced ASM activity in both patient fibroblasts and in transiently expressed cell systems (Simonaro_2006, Pavlu-Pereira_2005). In addition, multiple clinical diagnostic laboratories/reputable databases classified this variant as likely pathogenic/pathogenic. Taken together, this variant is classified as pathogenic.

Eurofins Ntd Llc (ga)
Classification: Pathogenic. Last evaluated: 2017-03-03. Review status: criteria provided, single submitter. Criteria: EGL Classification Definitions 2015. Collection method: clinical testing. Allele origin: germline. Observed: 3 variant alleles, 3 heterozygotes.

Counsyl
Classification: Likely pathogenic for Niemann-Pick disease, type B. Last evaluated: 2016-08-31. Review status: no assertion criteria provided. Collection method: clinical testing. Allele origin: unknown. Not counted in ClinVar's aggregate classification.

Literature cited by the submitters: PubMed 15877209 (cited by 5 submitters); PubMed 33971920 (cited by Natera, Inc.); PubMed 17011332 (cited by 5 submitters); PubMed 16642440 (cited by 4 submitters); PubMed 21454466 (cited by 3 submitters).